The following is an entry in ClinVar:

ClinVar aggregate classification (germline): Uncertain significance (1 of 4 stars; one submission).

Allele frequency attached by ClinVar (database versions not stated): ExAC 0.00005; gnomAD 0.00001; TOPMed 0.00001; gnomAD exomes below 0.00001.
gnomAD v4.1: 8 of 1,576,228 alleles (0.00051%); highest among the groups gnomAD compares: East Asian, 0.0068%; no homozygotes.

Submission:

Labcorp Genetics (formerly Invitae), Labcorp
Classification: Uncertain significance. Last evaluated: 2025-09-24. Review status: criteria provided, single submitter. Criteria: Invitae Variant Classification Sherloc (09022015). Collection method: clinical testing. Allele origin: germline.
Comment: This sequence change replaces serine, which is neutral and polar, with phenylalanine, which is neutral and non-polar, at codon 26 of the ADGRE2 protein (p.Ser26Phe). This variant is present in population databases (rs373761237, gnomAD no frequency). This variant has not been reported in the literature in individuals affected with ADGRE2-related conditions. ClinVar contains an entry for this variant (Variation ID: 2914261). An algorithm developed to predict the effect of missense changes on protein structure and function (PolyPhen-2) suggests that this variant is likely to be tolerated. In summary, the available evidence is currently insufficient to determine the role of this variant in disease. Therefore, it has been classified as a Variant of Uncertain Significance.

NM_013447.4(ADGRE2):c.77C>T (p.Ser26Phe)

Gene: ADGRE2 (adhesion G protein-coupled receptor E2; minus strand). Cytogenetic location: 19p13.12.
Variant type: single nucleotide variant.
Coding change: c.77C>T on transcript NM_013447.4 (MANE Select); coding-DNA position 77, C replaced by T.
Protein change: p.Ser26Phe; replaces serine 26 with phenylalanine.
Molecular consequence: missense variant.
Genome position (GRCh38, 1-based): chr19:14,774,261, G>A on the plus strand (C>T on the coding strand, the complement: ADGRE2 is on the minus strand). VCF-style: chr19-14774261-G-A. GRCh37 (hg19) VCF-style: chr19-14885073-G-A.
Other names: c.77C>T, p.Ser26Phe (NM_001271052.1, NM_152916.2, NM_152917.2); short protein forms S26F.
Identifiers: ClinVar variation 2914261 (VCV002914261.3), dbSNP rs373761237, ClinGen allele CA9258328.